The following is an entry in ClinVar:

NM_000489.6(ATRX):c.2716G>A (p.Asp906Asn)

Gene: ATRX (ATRX chromatin remodeler; minus strand). Cytogenetic location: Xq21.1.
Variant type: single nucleotide variant.
Coding change: c.2716G>A on transcript NM_000489.6 (MANE Select); coding-DNA position 2716, G replaced by A.
Protein change: p.Asp906Asn; replaces aspartic acid 906 with asparagine.
Molecular consequence: missense variant.
Genome position (GRCh38, 1-based): chrX:77,682,540, C>T on the plus strand (G>A on the coding strand, the complement: ATRX is on the minus strand). VCF-style: chrX-77682540-C-T. GRCh37 (hg19) VCF-style: chrX-76938032-C-T.
Other names: c.2602G>A, p.Asp868Asn (NM_138270.5); short protein forms D906N, D868N.
Identifiers: ClinVar variation 2857061 (VCV002857061.3), dbSNP rs2148590576, ClinGen allele CA413710844.

ClinVar aggregate classification (germline): Uncertain significance (1 of 4 stars; one submission).

Conditions:
Alpha thalassemia-X-linked intellectual disability syndrome (ATRX). Also called: ALPHA-THALASSEMIA/MENTAL RETARDATION SYNDROME, X-LINKED; ATR, NONDELETION TYPE; ATR-X syndrome; Alpha thalassemia mental retardation syndrome, nondeletion type, X-linked; XLMR hypotonic face syndrome; X-linked alpha-thalassemia-mental retardation syndrome. Identifiers: Orphanet 847, MedGen C1845055, MONDO:0010519, OMIM 301040.

Submission:

Labcorp Genetics (formerly Invitae), Labcorp
Classification: Uncertain significance for Alpha thalassemia-X-linked intellectual disability syndrome. Last evaluated: 2023-05-30. Review status: criteria provided, single submitter. Criteria: Invitae Variant Classification Sherloc (09022015). Collection method: clinical testing. Allele origin: germline.
Comment: In summary, the available evidence is currently insufficient to determine the role of this variant in disease. Therefore, it has been classified as a Variant of Uncertain Significance. Advanced modeling of protein sequence and biophysical properties (such as structural, functional, and spatial information, amino acid conservation, physicochemical variation, residue mobility, and thermodynamic stability) performed at Invitae indicates that this missense variant is not expected to disrupt ATRX protein function. This variant has not been reported in the literature in individuals affected with ATRX-related conditions. This variant is not present in population databases (gnomAD no frequency). This sequence change replaces aspartic acid, which is acidic and polar, with asparagine, which is neutral and polar, at codon 906 of the ATRX protein (p.Asp906Asn).